The following is an entry in ClinVar:

ClinVar aggregate classification (germline): Uncertain significance (1 of 4 stars; one submission).

Submission:

GeneDx
Classification: Uncertain significance. Last evaluated: 2024-04-15. Review status: criteria provided, single submitter. Criteria: GeneDx Variant Classification Process June 2021. Collection method: clinical testing. Allele origin: germline. Affected: yes.
Comment: Not observed at significant frequency in large population cohorts (gnomAD); In silico analysis indicates that this missense variant does not alter protein structure/function; Has not been previously published as pathogenic or benign to our knowledge

NM_004667.6(HERC2):c.4183A>G (p.Ile1395Val)

Gene: HERC2 (HECT and RLD domain containing E3 ubiquitin protein ligase 2; minus strand). Cytogenetic location: 15q13.1.
Variant type: single nucleotide variant.
Coding change: c.4183A>G on transcript NM_004667.6 (MANE Select); coding-DNA position 4183, A replaced by G.
Protein change: p.Ile1395Val; replaces isoleucine 1395 with valine.
Molecular consequence: missense variant.
Genome position (GRCh38, 1-based): chr15:28,234,105, T>C on the plus strand (A>G on the coding strand, the complement: HERC2 is on the minus strand). VCF-style: chr15-28234105-T-C. GRCh37 (hg19) VCF-style: chr15-28479251-T-C.
Other names: short protein forms I1395V.
Identifiers: ClinVar variation 1199752 (VCV001199752.4), dbSNP rs1288020688, ClinGen allele CA391385700.